The following is an entry in ClinVar:

ClinVar aggregate classification (germline): Uncertain significance (1 of 4 stars; one submission).

Submission:

GeneDx
Classification: Uncertain significance. Last evaluated: 2024-09-26. Review status: criteria provided, single submitter. Criteria: GeneDx Variant Classification Process June 2021. Collection method: clinical testing. Allele origin: germline. Affected: yes.
Comment: Not observed at significant frequency in large population cohorts (gnomAD); In silico analysis supports that this missense variant has a deleterious effect on protein structure/function; Has not been previously published as pathogenic or benign to our knowledge

NM_013245.3(VPS4A):c.478T>C (p.Trp160Arg)

Gene: VPS4A (vacuolar protein sorting 4 homolog A; plus strand). Cytogenetic location: 16q22.1.
Variant type: single nucleotide variant.
Coding change: c.478T>C on transcript NM_013245.3 (MANE Select); coding-DNA position 478, T replaced by C.
Protein change: p.Trp160Arg; replaces tryptophan 160 with arginine.
Molecular consequence: missense variant.
Genome position (GRCh38, 1-based): chr16:69,319,401, T>C. VCF-style: chr16-69319401-T-C. GRCh37 (hg19) VCF-style: chr16-69353304-T-C.
Other names: short protein forms W160R.
Identifiers: ClinVar variation 3776432 (VCV003776432.1).
Genomic context (GRCh38, chr16:69,319,401, plus strand): 5'-CCTTTCCCCAGTCAGGAGGCCTAACTTCTGTGGTTCTCTGTTGCAGGCAAGCGCACCCCC[T>C]GGCGGGGGATTCTGCTGTTCGGACCCCCTGGCACAGGGAAATCCTACCTGGCCAAAGCCG-3'
Protein context (NP_037377.1, residues 150-170): PHLFTGKRTP[Trp160Arg]RGILLFGPPG